The following is an entry in ClinVar:

ClinVar aggregate classification (germline): Likely benign (0 of 4 stars; one submission).

Conditions:
TMEM132D-related disorder. Also called: TMEM132D-related condition.

Allele frequency attached by ClinVar (database versions not stated): TOPMed below 0.00001; gnomAD exomes 0.00001; ExAC 0.00002.
gnomAD v4.1: 4 of 1,614,182 alleles (0.00025%); highest among the groups gnomAD compares: Non-Finnish European, 0.00034%; no homozygotes.

Submission:

PreventionGenetics, part of Exact Sciences
Classification: Likely benign for TMEM132D-related condition. Last evaluated: 2019-06-12. Review status: no assertion criteria provided. Collection method: clinical testing. Allele origin: germline.
Comment: This variant is classified as likely benign based on ACMG/AMP sequence variant interpretation guidelines (Richards et al. 2015 PMID: 25741868, with internal and published modifications).

NM_133448.3(TMEM132D):c.390A>G (p.Lys130=)

Gene: TMEM132D (transmembrane protein 132D; minus strand). Cytogenetic location: 12q24.33.
Variant type: single nucleotide variant.
Coding change: c.390A>G on transcript NM_133448.3 (MANE Select); coding-DNA position 390, A replaced by G.
Protein change: p.Lys130=; no amino-acid change (lysine 130 retained).
Molecular consequence: synonymous variant.
Genome position (GRCh38, 1-based): chr12:129,700,388, T>C on the plus strand (A>G on the coding strand, the complement: TMEM132D is on the minus strand). VCF-style: chr12-129700388-T-C. GRCh37 (hg19) VCF-style: chr12-130184933-T-C.
Identifiers: ClinVar variation 3034169 (VCV003034169.2), dbSNP rs753420447, ClinGen allele CA6876405.